The following is an entry in ClinVar:

ClinVar aggregate classification (germline): Likely benign. Review status: criteria provided, single submitter (1 of 4 stars). 2 submissions from 2 submitters: Likely benign (1). 1 of the submissions does not count toward it. Last evaluated 2025-12-10.

Conditions:
COL13A1-related disorder. Also called: COL13A1-related condition.

Allele frequency attached by ClinVar (database versions not stated): gnomAD exomes 0.00001; TOPMed 0.00002.
gnomAD v4.1: 12 of 1,496,864 alleles (0.0008%); highest among the groups gnomAD compares: Admixed American, 0.0026%; no homozygotes.

Submissions (2):

Labcorp Genetics (formerly Invitae), Labcorp
Classification: Likely benign. Last evaluated: 2025-12-10. Review status: criteria provided, single submitter. Criteria: Invitae Variant Classification Sherloc (09022015). Collection method: clinical testing. Allele origin: germline.

PreventionGenetics, part of Exact Sciences
Classification: Likely benign for COL13A1-related condition. Last evaluated: 2021-02-01. Review status: no assertion criteria provided. Collection method: clinical testing. Allele origin: germline. Not counted in ClinVar's aggregate classification.
Comment: This variant is classified as likely benign based on ACMG/AMP sequence variant interpretation guidelines (Richards et al. 2015 PMID: 25741868, with internal and published modifications).

NM_001368882.1(COL13A1):c.6A>G (p.Val2=)

Gene: COL13A1 (collagen type XIII alpha 1 chain; plus strand). Cytogenetic location: 10q22.1.
Variant type: single nucleotide variant.
Coding change: c.6A>G on transcript NM_001368882.1 (MANE Select); coding-DNA position 6, A replaced by G.
Protein change: p.Val2=; no amino-acid change (valine 2 retained).
Molecular consequence: synonymous variant. On other transcripts: 5 prime UTR variant (1).
Genome position (GRCh38, 1-based): chr10:69,802,429, A>G. VCF-style: chr10-69802429-A-G. GRCh37 (hg19) VCF-style: chr10-71562185-A-G.
Other names: c.6A>G, p.Val2= (NM_001130103.2, NM_001320951.2, NM_001368883.1 and 11 more transcripts); c.-648A>G (NM_001368886.1).
Identifiers: ClinVar variation 729637 (VCV000729637.10), dbSNP rs991874442, ClinGen allele CA209356462.